The following is an entry in ClinVar:

ClinVar aggregate classification (germline): Uncertain significance (1 of 4 stars; one submission).

Submission:

Labcorp Genetics (formerly Invitae), Labcorp
Classification: Uncertain significance. Last evaluated: 2025-09-06. Review status: criteria provided, single submitter. Criteria: Invitae Variant Classification Sherloc (09022015). Collection method: clinical testing. Allele origin: germline.
Comment: This sequence change affects a donor splice site in intron 5 of the C10orf11 gene. While this variant is not anticipated to result in nonsense mediated decay, it likely alters RNA splicing and results in a disrupted protein product. This variant is not present in population databases (gnomAD no frequency). Disruption of this splice site has been observed in individuals with clinical features of oculocutaneous albinism (internal data). Variants that disrupt the consensus splice site are a relatively common cause of aberrant splicing (PMID: 17576681, 9536098). Algorithms developed to predict the effect of sequence changes on RNA splicing suggest that this variant may disrupt the consensus splice site. In summary, the available evidence is currently insufficient to determine the role of this variant in disease. Therefore, it has been classified as a Variant of Uncertain Significance.

Literature cited by the submitters: PubMed 17576681; PubMed 9536098.

NM_001305581.2(LRMDA):c.601+2T>C

Gene: LRMDA (leucine rich melanocyte differentiation associated; plus strand). Cytogenetic location: 10q22.3.
Variant type: single nucleotide variant.
Coding change: c.601+2T>C on transcript NM_001305581.2 (MANE Select); the canonical splice donor site of the intron after coding-DNA position 601, T replaced by C.
Molecular consequence: splice donor variant.
Genome position (GRCh38, 1-based): chr10:76,324,487, T>C. VCF-style: chr10-76324487-T-C. GRCh37 (hg19) VCF-style: chr10-78084245-T-C.
Other names: c.517+2T>C (NM_032024.5).
Identifiers: ClinVar variation 4726735 (VCV004726735.1).